The following is an entry in ClinVar:

NM_016729.3(FOLR1):c.292C>T (p.Arg98Trp)

Genes: FOLR1 (folate receptor alpha; plus strand), FOLR1-AS1 (FOLR1 antisense RNA 1; minus strand). Cytogenetic location: 11q13.4.
Variant type: single nucleotide variant.
Coding change: c.292C>T on transcript NM_016729.3 (MANE Select); coding-DNA position 292, C replaced by T.
Protein change: p.Arg98Trp; replaces arginine 98 with tryptophan.
Molecular consequence: missense variant.
Genome position (GRCh38, 1-based): chr11:72,195,394, C>T. VCF-style: chr11-72195394-C-T. GRCh37 (hg19) VCF-style: chr11-71906438-C-T.
Other names: p.Arg98Trp; c.292C>T, p.Arg98Trp (NM_000802.3, NM_016724.3, NM_016725.3); short protein forms R98W.
Identifiers: ClinVar variation 196476 (VCV000196476.67), dbSNP rs76191655, ClinGen allele CA202392.

ClinVar aggregate classification (germline): Benign/Likely benign. Review status: criteria provided, multiple submitters, no conflicts (2 of 4 stars). 13 submissions from 13 submitters: Benign (8); Likely benign (3). 2 of the submissions do not count toward it. Last evaluated 2026-07-01.

Conditions:
FOLR1-related disorder. Also called: FOLR1-related condition.
Inborn genetic diseases. Identifiers: MedGen C0950123, MeSH D030342.
Cerebral folate transport deficiency. Also called: FOLR1-Related Cerebral Folate Transport Deficiency; FOLATE RECEPTOR DEFICIENCY; Cerebral folate deficiency syndrome; Neurodegenerative syndrome due to cerebral folate transport deficiency; NEURODEGENERATION DUE TO CEREBRAL FOLATE TRANSPORT DEFICIENCY. Identifiers: Orphanet 217382, MedGen C2751584, MONDO:0013110, OMIM 613068. Disease mechanism: loss of function.

Allele frequency attached by ClinVar (database versions not stated): 1000 Genomes Project 0.00140; 1000 Genomes Project 30x 0.00141; ESP Exome Variant Server 0.00193; TOPMed 0.00198; gnomAD 0.00266 and 0.00274; gnomAD exomes 0.00287 and 0.00325; ExAC 0.00330.

Submissions (13):

CeGaT Center for Human Genetics Tuebingen
Classification: Likely benign. Last evaluated: 2026-07-01. Review status: criteria provided, single submitter. Criteria: CeGaT Center For Human Genetics Tuebingen Variant Classification Criteria Version 2. Collection method: clinical testing. Allele origin: germline. Affected: yes. Observed: 9 variant alleles.
Comment: FOLR1: BP4

Labcorp Genetics (formerly Invitae), Labcorp
Classification: Benign for Cerebral folate transport deficiency. Last evaluated: 2026-02-01. Review status: criteria provided, single submitter. Criteria: Invitae Variant Classification Sherloc (09022015). Collection method: clinical testing. Allele origin: germline.

Athena Diagnostics
Classification: Benign. Last evaluated: 2024-12-30. Review status: criteria provided, single submitter. Criteria: Athena Diagnostics Criteria. Collection method: clinical testing. Allele origin: unknown.
Comment: The frequency of this variant in the general population is higher than would generally be expected for pathogenic variants in this gene. Computational tools predict this amino acid change may be benign.

Blueprint Genetics
Classification: Likely benign. Last evaluated: 2024-11-22. Review status: criteria provided, single submitter. Criteria: ACMG Guidelines, 2015. Collection method: clinical testing. Allele origin: germline.

Mayo Clinic Laboratories, Mayo Clinic
Classification: Benign. Last evaluated: 2023-04-07. Review status: criteria provided, single submitter. Criteria: ACMG Guidelines, 2015. Collection method: clinical testing. Allele origin: germline. Observed: 2 variant alleles.
Comment: BS1, BS2

Illumina Laboratory Services, Illumina
Classification: Benign for Cerebral folate transport deficiency. Last evaluated: 2017-06-09. Review status: criteria provided, single submitter. Criteria: ICSL Variant Classification Criteria 13 December 2019. Collection method: clinical testing. Allele origin: germline.
Comment: This variant was observed as part of a predisposition screen in an ostensibly healthy population. A literature search was performed for the gene, cDNA change, and amino acid change (where applicable). Publications were found based on this search. The evidence from the literature, in combination with allele frequency data from public databases where available, was sufficient to rule this variant out of causing disease. Therefore, this variant is classified as benign.

GeneDx
Classification: Benign. Last evaluated: 2017-04-25. Review status: criteria provided, single submitter. Criteria: GeneDx Variant Classification (06012015). Collection method: clinical testing. Allele origin: germline. Affected: yes.
Comment: This variant is considered likely benign or benign based on one or more of the following criteria: it is a conservative change, it occurs at a poorly conserved position in the protein, it is predicted to be benign by multiple in silico algorithms, and/or has population frequency not consistent with disease.

Ambry Genetics
Classification: Benign for Inborn genetic diseases. Last evaluated: 2016-10-05. Review status: criteria provided, single submitter. Criteria: Ambry Variant Classification Scheme 2023. Collection method: clinical testing. Allele origin: germline.

Clinical Genetics DNA and cytogenetics Diagnostics Lab, Erasmus MC, Erasmus Medical Center
Classification: Benign for Cerebral folate transport deficiency. Last evaluated: 2015-12-09. Review status: criteria provided, single submitter. Criteria: ACGS Guidelines, 2013. Collection method: clinical testing. Allele origin: germline. Affected: yes. Study: VKGL Data-share Consensus.

Genome Diagnostics Laboratory, University Medical Center Utrecht
Classification: Likely benign for Cerebral folate transport deficiency. Last evaluated: 2015-03-17. Review status: criteria provided, single submitter. Criteria: ACGS Guidelines, 2013. Collection method: clinical testing. Allele origin: germline. Affected: yes. Study: VKGL Data-share Consensus.

Eurofins Ntd Llc (ga)
Classification: Benign. Last evaluated: 2014-12-02. Review status: criteria provided, single submitter. Criteria: EGL Classification Definitions 2015. Collection method: clinical testing. Allele origin: germline. Observed: 3 variant alleles, 3 heterozygotes.

PreventionGenetics, part of Exact Sciences
Classification: Benign for FOLR1-related condition. Last evaluated: 2019-04-26. Review status: no assertion criteria provided. Collection method: clinical testing. Allele origin: germline. Not counted in ClinVar's aggregate classification.
Comment: This variant is classified as benign based on ACMG/AMP sequence variant interpretation guidelines (Richards et al. 2015 PMID: 25741868, with internal and published modifications).

Diagnostic Laboratory, Department of Genetics, University Medical Center Groningen
Classification: Likely benign for Cerebral folate transport deficiency. Review status: no assertion criteria provided. Collection method: clinical testing. Allele origin: germline. Affected: yes. Study: VKGL Data-share Consensus. Not counted in ClinVar's aggregate classification.

Literature cited by the submitters: PubMed 27781028 (cited by Athena Diagnostics and Illumina Laboratory Services, Illumina); PubMed 22695967 (cited by Athena Diagnostics and Illumina Laboratory Services, Illumina); PubMed 29924869 (cited by Athena Diagnostics).